The following is an entry in ClinVar:

ClinVar aggregate classification (germline): Uncertain significance (1 of 4 stars; one submission).

Allele frequency attached by ClinVar (database versions not stated): TOPMed 0.00004; ExAC 0.00005; gnomAD 0.00006; gnomAD exomes 0.00011.
gnomAD v4.1: 172 of 1,614,180 alleles (0.011%); highest among the groups gnomAD compares: Middle Eastern, 0.12%; no homozygotes.

Submission:

Labcorp Genetics (formerly Invitae), Labcorp
Classification: Uncertain significance. Last evaluated: 2025-05-23. Review status: criteria provided, single submitter. Criteria: Invitae Variant Classification Sherloc (09022015). Collection method: clinical testing. Allele origin: germline.
Comment: This sequence change replaces leucine, which is neutral and non-polar, with proline, which is neutral and non-polar, at codon 280 of the CEP97 protein (p.Leu280Pro). This variant is present in population databases (rs761683619, gnomAD 0.06%). This variant has not been reported in the literature in individuals affected with CEP97-related conditions. ClinVar contains an entry for this variant (Variation ID: 2183207). An algorithm developed to predict the effect of missense changes on protein structure and function (PolyPhen-2) suggests that this variant is likely to be tolerated. In summary, the available evidence is currently insufficient to determine the role of this variant in disease. Therefore, it has been classified as a Variant of Uncertain Significance.

NM_024548.4(CEP97):c.839T>C (p.Leu280Pro)

Gene: CEP97 (centrosomal protein 97; plus strand). Cytogenetic location: 3q12.3.
Variant type: single nucleotide variant.
Coding change: c.839T>C on transcript NM_024548.4 (MANE Select); coding-DNA position 839, T replaced by C.
Protein change: p.Leu280Pro; replaces leucine 280 with proline.
Molecular consequence: missense variant.
Genome position (GRCh38, 1-based): chr3:101,755,540, T>C. VCF-style: chr3-101755540-T-C. GRCh37 (hg19) VCF-style: chr3-101474384-T-C.
Other names: c.839T>C, p.Leu280Pro (NM_001303401.2); c.737T>C, p.Leu246Pro (NM_001410784.1, NM_001410785.1); short protein forms L246P, L280P.
Identifiers: ClinVar variation 2183207 (VCV002183207.4), dbSNP rs761683619, ClinGen allele CA2522005.